The following is an entry in ClinVar:

NM_000669.5(ADH1C):c.612C>T (p.Val204=)

Gene: ADH1C (alcohol dehydrogenase 1C (class I), gamma polypeptide; minus strand). Cytogenetic location: 4q23.
Variant type: single nucleotide variant.
Coding change: c.612C>T on transcript NM_000669.5 (MANE Select); coding-DNA position 612, C replaced by T.
Protein change: p.Val204=; no amino-acid change (valine 204 retained).
Molecular consequence: synonymous variant. On other transcripts: non-coding transcript variant (1).
Genome position (GRCh38, 1-based): chr4:99,343,011, G>A on the plus strand (C>T on the coding strand, the complement: ADH1C is on the minus strand). VCF-style: chr4-99343011-G-A. GRCh37 (hg19) VCF-style: chr4-100264168-G-A.
Identifiers: ClinVar variation 4887654 (VCV004887654.1).

ClinVar aggregate classification (germline): Likely benign (1 of 4 stars; one submission).

gnomAD v4.1: 685 of 1,614,132 alleles (0.042%); highest among the groups gnomAD compares: Non-Finnish European, 0.044%; no homozygotes.

Submission:

Women's Health and Genetics/Laboratory Corporation of America, LabCorp
Classification: Likely benign. Last evaluated: 2026-06-30. Review status: criteria provided, single submitter. Criteria: LabCorp Variant Classification Summary - May 2015. Collection method: clinical testing. Allele origin: germline.
Comment: Variant summary: ADH1C c.612C>T alters a conserved nucleotide resulting in a synonymous change. Consensus agreement among computation tools predict no significant impact on normal splicing. However, these predictions have yet to be confirmed by functional studies. The variant allele was found at a frequency of 0.00053 in 251396 control chromosomes. This frequency is not significantly higher than estimated for disease-causing variants in ADH1C, allowing no conclusion about variant significance. To our knowledge, no occurrence of c.612C>T in individuals affected with ADH1C-related conditions and no experimental evidence demonstrating its impact on protein function have been reported. No submitters have cited clinical-significance assessments for this variant to ClinVar. Based on the evidence outlined above, the variant was classified as likely benign.